The following is an entry in ClinVar:

NM_001377.3(DYNC2H1):c.6116G>A (p.Arg2039His)

Gene: DYNC2H1 (dynein cytoplasmic 2 heavy chain 1; plus strand). Cytogenetic location: 11q22.3.
Variant type: single nucleotide variant.
Coding change: c.6116G>A on transcript NM_001377.3 (MANE Select); coding-DNA position 6116, G replaced by A.
Protein change: p.Arg2039His; replaces arginine 2039 with histidine.
Molecular consequence: missense variant.
Genome position (GRCh38, 1-based): chr11:103,177,797, G>A. VCF-style: chr11-103177797-G-A. GRCh37 (hg19) VCF-style: chr11-103048526-G-A.
Other names: c.6116G>A, p.Arg2039His (NM_001080463.2); short protein forms R2039H.
Identifiers: ClinVar variation 446568 (VCV000446568.11), dbSNP rs1555057503, ClinGen allele CA382246660.

ClinVar aggregate classification (germline): Conflicting classifications of pathogenicity. Review status: criteria provided, conflicting classifications (1 of 4 stars). 7 submissions from 7 submitters: Likely pathogenic (3); Uncertain significance (2). 2 of the submissions do not count toward it. Last evaluated 2026-06-25.

Conditions:
Jeune thoracic dystrophy. Also called: Short-rib thoracic dysplasia; Jeune syndrome; Infantile thoracic dystrophy; Thoracic pelvic phalangeal dystrophy; Jeune's syndrome; Chondroectodermal dysplasia-like syndrome. Identifiers: Orphanet 474, MedGen C0265275, MONDO:0018770.
Asphyxiating thoracic dystrophy 3. Also called: SHORT-RIB THORACIC DYSPLASIA 3 WITH OR WITHOUT POLYDACTYLY; POLYDACTYLY WITH NEONATAL CHONDRODYSTROPHY, TYPE I; SHORT-RIB THORACIC DYSPLASIA 3/6 WITH POLYDACTYLY, DIGENIC; Saldino-Noonan Syndrome; Short rib polydactyly syndrome 2B. Identifiers: Orphanet 474, Orphanet 93269, Orphanet 93270, Orphanet 93271, MedGen C0036069, MONDO:0013127, OMIM 613091.

Allele frequency attached by ClinVar (database versions not stated): gnomAD exomes below 0.00001.
gnomAD v4.1: 1 of 1,611,652 alleles (0.000062%); highest among the groups gnomAD compares: South Asian, 0.0011%; no homozygotes.

Submissions (7):

Myriad Genetics, Inc.
Classification: Uncertain significance for Asphyxiating thoracic dystrophy 3. Last evaluated: 2026-06-25. Review status: criteria provided, single submitter. Criteria: Myriad Autosomal Dominant, Autosomal Recessive and X-Linked Classification Criteria (2023). Collection method: clinical testing. Allele origin: unknown.
Comment: NM_001377.2(DYNC2H1):c.6116G>A(R2039H) is a missense variant classified as a variant of uncertain significance in the context of DYNC2H1-related disorders. R2039H has been observed in a case with relevant disease (PMID: 29068549). Relevant functional assessments of this variant are not available in the literature. R2039H has not been observed in referenced population frequency databases. In summary, there is insufficient evidence to classify NM_001377.2(DYNC2H1):c.6116G>A(R2039H) as pathogenic or benign. Please note: this variant was assessed in the context of healthy population screening.

Women's Health and Genetics/Laboratory Corporation of America, LabCorp
Classification: Uncertain significance. Last evaluated: 2025-07-25. Review status: criteria provided, single submitter. Criteria: LabCorp Variant Classification Summary - May 2015. Collection method: clinical testing. Allele origin: germline.
Comment: Variant summary: DYNC2H1 c.6116G>A (p.Arg2039His) results in a non-conservative amino acid change located in the AAA+ ATPase domain (IPR003593) of the encoded protein sequence. Algorithms developed to predict the effect of missense changes on protein structure and function all suggest that this variant is likely to be disruptive. The variant was absent in 246826 control chromosomes (gnomAD). The available data on variant occurrences in the general population are insufficient to allow any conclusion about variant significance. c.6116G>A has been reported in the literature in an individual affected with Short-rib thoracic dysplasia (Zhang_2018). These data do not allow any conclusion about variant significance.To our knowledge, no experimental evidence demonstrating an impact on protein function has been reported. The following publication have been ascertained in the context of this evaluation (PMID: 29068549). ClinVar contains an entry for this variant (Variation ID: 446568). Based on the evidence outlined above, the variant was classified as uncertain significance.

GeneDx
Classification: Likely pathogenic. Last evaluated: 2025-07-21. Review status: criteria provided, single submitter. Criteria: GeneDx Variant Classification Process June 2021. Collection method: clinical testing. Allele origin: germline. Affected: yes.
Comment: Not observed at significant frequency in large population cohorts (gnomAD); In silico analysis supports that this missense variant has a deleterious effect on protein structure/function; This variant is associated with the following publications: (PMID: 29068549)

Fulgent Genetics
Classification: Likely pathogenic for Asphyxiating thoracic dystrophy 3. Last evaluated: 2024-03-23. Review status: criteria provided, single submitter. Criteria: ACMG Guidelines, 2015. Collection method: clinical testing. Allele origin: germline.

Labcorp Genetics (formerly Invitae), Labcorp
Classification: Likely pathogenic for Jeune thoracic dystrophy. Last evaluated: 2023-11-20. Review status: criteria provided, single submitter. Criteria: Invitae Variant Classification Sherloc (09022015). Collection method: clinical testing. Allele origin: germline.
Comment: This sequence change replaces arginine, which is basic and polar, with histidine, which is basic and polar, at codon 2039 of the DYNC2H1 protein (p.Arg2039His). This variant is not present in population databases (gnomAD no frequency). This missense change has been observed in individual(s) with short-rib polydactyly syndrome (PMID: 29068549). In at least one individual the data is consistent with being in trans (on the opposite chromosome) from a pathogenic variant. ClinVar contains an entry for this variant (Variation ID: 446568). Advanced modeling of protein sequence and biophysical properties (such as structural, functional, and spatial information, amino acid conservation, physicochemical variation, residue mobility, and thermodynamic stability) performed at Invitae indicates that this missense variant is expected to disrupt DYNC2H1 protein function with a positive predictive value of 95%. In summary, the currently available evidence indicates that the variant is pathogenic, but additional data are needed to prove that conclusively. Therefore, this variant has been classified as Likely Pathogenic.

Dan Cohn Lab, University Of California Los Angeles
Classification: Pathogenic for Asphyxiating thoracic dystrophy 3. Last evaluated: 2017-06-01. Review status: no assertion criteria provided. Collection method: research. Allele origin: paternal. Affected: yes. Not counted in ClinVar's aggregate classification.

University of Washington Center for Mendelian Genomics, University of Washington
Classification: Likely pathogenic for Asphyxiating thoracic dystrophy 3. Review status: no assertion criteria provided. Collection method: research. Allele origin: inherited. Affected: yes. Not counted in ClinVar's aggregate classification.

Literature cited by the submitters: PubMed 29068549 (cited by 5 submitters).